The following is an entry in ClinVar:

ClinVar aggregate classification (germline): Uncertain significance (1 of 4 stars; one submission).

Allele frequency attached by ClinVar (database versions not stated): gnomAD exomes 0.00002.
gnomAD v4.1: 28 of 1,551,660 alleles (0.0018%); highest among the groups gnomAD compares: Middle Eastern, 0.05%; no homozygotes.

Submission:

GeneDx
Classification: Uncertain significance. Last evaluated: 2024-01-05. Review status: criteria provided, single submitter. Criteria: GeneDx Variant Classification Process June 2021. Collection method: clinical testing. Allele origin: germline. Affected: yes.
Comment: Not observed in large population cohorts (gnomAD); In silico analysis supports that this missense variant does not alter protein structure/function; Has not been previously published as pathogenic or benign to our knowledge; Variants in candidate genes are classified as variants of uncertain significance in accordance with ACMG guidelines (Richards et al., 2015)

NM_144666.3(DNHD1):c.10934C>T (p.Thr3645Ile)

Gene: DNHD1 (dynein heavy chain domain 1; plus strand). Cytogenetic location: 11p15.4.
Variant type: single nucleotide variant.
Coding change: c.10934C>T on transcript NM_144666.3 (MANE Select); coding-DNA position 10934, C replaced by T.
Protein change: p.Thr3645Ile; replaces threonine 3645 with isoleucine.
Molecular consequence: missense variant.
Genome position (GRCh38, 1-based): chr11:6,565,872, C>T. VCF-style: chr11-6565872-C-T. GRCh37 (hg19) VCF-style: chr11-6587102-C-T.
Other names: short protein forms T3645I.
Identifiers: ClinVar variation 3253231 (VCV003253231.1), dbSNP rs1048256663.
Genomic context (GRCh38, chr11:6,565,872, plus strand): 5'-AAAGAAAAAATGAGCAGGAGAAAGAGCAAGAGGAAAATGAAGAGAAAGAGGAGGAGAAGA[C>T]AGAGAGCCAGGGGTCAAAGCCAGCCTATGAGACTCAGCTTCCATCCCTTCCCTACCTTAG-3'
Protein context (NP_653267.2, residues 3635-3655): EENEEKEEEK[Thr3645Ile]ESQGSKPAYE